The following is an entry in ClinVar:

ClinVar aggregate classification (germline): Pathogenic (1 of 4 stars; one submission).

Conditions:
BAP1-related tumor predisposition syndrome (TPDS1). Also called: Tumor susceptibility linked to germline BAP1 mutations; BAP1 tumor predisposition syndrome; COMMON Syndrome; TUMOR PREDISPOSITION SYNDROME 1. Identifiers: Orphanet 289539, MedGen C3280492, MONDO:0013692, OMIM 614327.

Submission:

Labcorp Genetics (formerly Invitae), Labcorp
Classification: Pathogenic for BAP1-related tumor predisposition syndrome. Last evaluated: 2023-04-23. Review status: criteria provided, single submitter. Criteria: Invitae Variant Classification Sherloc (09022015). Collection method: clinical testing. Allele origin: germline.
Comment: For these reasons, this variant has been classified as Pathogenic. This variant has not been reported in the literature in individuals affected with BAP1-related conditions. This variant is not present in population databases (gnomAD no frequency). This sequence change creates a premature translational stop signal (p.Ala243Profs*6) in the BAP1 gene. It is expected to result in an absent or disrupted protein product. Loss-of-function variants in BAP1 are known to be pathogenic (PMID: 21874000, 23684012).

Literature cited by the submitters: PubMed 21874000; PubMed 23684012.

NM_004656.4(BAP1):c.727del (p.Ala243fs)

Gene: BAP1 (BRCA1 associated deubiquitinase 1; minus strand). Cytogenetic location: 3p21.1.
Variant type: Deletion.
Coding change: c.727del on transcript NM_004656.4 (MANE Select); coding-DNA position 727, one base deleted (G; older notation c.727delG).
Protein change: p.Ala243fs; shifts the reading frame from alanine 243.
Molecular consequence: frameshift variant.
Genome position (GRCh38, 1-based): chr3:52,406,309, C deleted on the plus strand (G on the coding strand, the reverse complement: BAP1 is on the minus strand); the first of 2 consecutive C bases (chr3:52,406,309-52,406,310); deleting either gives the same sequence. VCF-style (leftmost placement, unchanged base first): chr3-52406308-GC-G. GRCh37 (hg19) VCF-style: chr3-52440324-GC-G.
Other names: c.673del, p.Ala225fs (NM_001410772.1); short protein forms A225fs, A243fs.
Identifiers: ClinVar variation 2813041 (VCV002813041.3), dbSNP rs2471343622, ClinGen allele CA2739278591.
Genomic context (GRCh38, chr3:52,406,308, plus strand): 5'-CCTACCTGCTGCAGAGCCTCTAGTACTGTCTGACGGTTCACCTTCAGCACATGCAGCCTG[GC>G]CTCATACTTGATCCTGCGGTCGGGCACCACTGCCATCAGGTTGAAGCGGATGTCGTGGTA-3'